The following is an entry in ClinVar:

ClinVar aggregate classification (germline): Uncertain significance. Review status: criteria provided, multiple submitters, no conflicts (2 of 4 stars). 2 submissions from 2 submitters: Uncertain significance (2). Last evaluated 2025-07-13.

Allele frequency attached by ClinVar (database versions not stated): TOPMed below 0.00001; gnomAD exomes 0.00001.
gnomAD v4.1: 8 of 716,868 alleles (0.0011%); highest among the groups gnomAD compares: Non-Finnish European, 0.0014%; no homozygotes.

Submissions (2):

Labcorp Genetics (formerly Invitae), Labcorp
Classification: Uncertain significance. Last evaluated: 2025-07-13. Review status: criteria provided, single submitter. Criteria: Invitae Variant Classification Sherloc (09022015). Collection method: clinical testing. Allele origin: germline.
Comment: This sequence change falls in intron 14 of the RECQL gene. It does not directly change the encoded amino acid sequence of the RECQL protein. It affects a nucleotide within the consensus splice site. This variant is not present in population databases (gnomAD no frequency). This variant has not been reported in the literature in individuals affected with RECQL-related conditions. ClinVar contains an entry for this variant (Variation ID: 1060342). Variants that disrupt the consensus splice site are a relatively common cause of aberrant splicing (PMID: 17576681, 9536098). Algorithms developed to predict the effect of sequence changes on RNA splicing suggest that this variant may disrupt the consensus splice site. In summary, the available evidence is currently insufficient to determine the role of this variant in disease. Therefore, it has been classified as a Variant of Uncertain Significance.

GeneDx
Classification: Uncertain significance. Last evaluated: 2023-09-21. Review status: criteria provided, single submitter. Criteria: GeneDx Variant Classification Process June 2021. Collection method: clinical testing. Allele origin: germline. Affected: yes.
Comment: Canonical splice site variant in a gene for which loss-of-function is not an established mechanism of disease; Not observed at significant frequency in large population cohorts (gnomAD); Has not been previously published as pathogenic or benign to our knowledge; Variants in candidate genes are classified as variants of uncertain significance in accordance with ACMG guidelines (Richards et al., 2015); This variant is associated with the following publications: (PMID: 23396353, 27248010)

Literature cited by the submitters: PubMed 17576681 (cited by Labcorp Genetics (formerly Invitae), Labcorp); PubMed 9536098 (cited by Labcorp Genetics (formerly Invitae), Labcorp).

NM_002907.4(RECQL):c.1798-2A>C

Genes: PYROXD1 (pyridine nucleotide-disulphide oxidoreductase domain 1; plus strand), RECQL (RecQ like helicase; minus strand). Cytogenetic location: 12p12.1.
Variant type: single nucleotide variant.
Coding change: c.1798-2A>C on transcript NM_002907.4 (MANE Select); the canonical splice acceptor site of the intron before coding-DNA position 1798, A replaced by C.
Molecular consequence: splice acceptor variant. On other transcripts: 3 prime UTR variant (3).
Genome position (GRCh38, 1-based): chr12:21,470,348, T>G on the plus strand (A>C on the coding strand, the complement: RECQL is on the minus strand). VCF-style: chr12-21470348-T-G. GRCh37 (hg19) VCF-style: chr12-21623282-T-G.
Other names: c.*1594T>G (NM_001350912.2, NM_001350913.2, NM_024854.5); c.1798-2A>C (NM_032941.3).
Identifiers: ClinVar variation 1060342 (VCV001060342.12), dbSNP rs756192830, ClinGen allele CA384114175.